The following is an entry in ClinVar:

ClinVar aggregate classification (germline): Uncertain significance. Review status: criteria provided, multiple submitters, no conflicts (2 of 4 stars). 2 submissions from 2 submitters: Uncertain significance (2). Last evaluated 2024-07-30.

gnomAD v4.1: 79 of 1,613,540 alleles (0.0049%); highest among the groups gnomAD compares: Non-Finnish European, 0.0065%; no homozygotes.

Submissions (2):

Labcorp Genetics (formerly Invitae), Labcorp
Classification: Uncertain significance. Last evaluated: 2024-07-30. Review status: criteria provided, single submitter. Criteria: Invitae Variant Classification Sherloc (09022015). Collection method: clinical testing. Allele origin: germline.
Comment: This sequence change replaces leucine, which is neutral and non-polar, with isoleucine, which is neutral and non-polar, at codon 5538 of the HMCN1 protein (p.Leu5538Ile). This variant is present in population databases (rs369798131, gnomAD 0.002%). This variant has not been reported in the literature in individuals affected with HMCN1-related conditions. ClinVar contains an entry for this variant (Variation ID: 2181995). An algorithm developed to predict the effect of missense changes on protein structure and function (PolyPhen-2) suggests that this variant is likely to be tolerated. In summary, the available evidence is currently insufficient to determine the role of this variant in disease. Therefore, it has been classified as a Variant of Uncertain Significance.

Ambry Genetics
Classification: Uncertain significance. Last evaluated: 2024-06-19. Review status: criteria provided, single submitter. Criteria: Ambry Variant Classification Scheme 2023. Collection method: clinical testing. Allele origin: germline.

NM_031935.3(HMCN1):c.16612C>A (p.Leu5538Ile)

Gene: HMCN1 (hemicentin 1; plus strand). Cytogenetic location: 1q31.1.
Variant type: single nucleotide variant.
Coding change: c.16612C>A on transcript NM_031935.3 (MANE Select); coding-DNA position 16612, C replaced by A.
Protein change: p.Leu5538Ile; replaces leucine 5538 with isoleucine.
Molecular consequence: missense variant.
Genome position (GRCh38, 1-based): chr1:186,189,582, C>A. VCF-style: chr1-186189582-C-A. GRCh37 (hg19) VCF-style: chr1-186158714-C-A.
Other names: c.16612C>A (NM_031935.2); short protein forms L5538I.
Identifiers: ClinVar variation 2181995 (VCV002181995.5), dbSNP rs369798131, ClinGen allele CA1295617.
Genomic context (GRCh38, chr1:186,189,582, plus strand): 5'-AAGAACTGTCCACCCAATGATTTGGAATGTGCCTTGAGCCCATATGCCTTGGAATACAAA[C>A]TCGTCTCCCTCCCATTTGGAATAGCCACCAATCAAGATTTAATCCGGCTGGTTGCATACA-3'
Protein context (NP_114141.2, residues 5528-5548): ALSPYALEYK[Leu5538Ile]VSLPFGIATN